The following is an entry in ClinVar:

NM_006420.3(ARFGEF2):c.4320T>C (p.Asn1440=)

Gene: ARFGEF2 (ARF guanine nucleotide exchange factor 2; plus strand). Cytogenetic location: 20q13.13.
Variant type: single nucleotide variant.
Coding change: c.4320T>C on transcript NM_006420.3 (MANE Select); coding-DNA position 4320, T replaced by C.
Protein change: p.Asn1440=; no amino-acid change (asparagine 1440 retained).
Molecular consequence: synonymous variant.
Genome position (GRCh38, 1-based): chr20:49,017,253, T>C. VCF-style: chr20-49017253-T-C. GRCh37 (hg19) VCF-style: chr20-47633790-T-C.
Identifiers: ClinVar variation 681049 (VCV000681049.13), dbSNP rs758848307, ClinGen allele CA9899191.

ClinVar aggregate classification (germline): Likely benign. Review status: criteria provided, multiple submitters, no conflicts (2 of 4 stars). 4 submissions from 4 submitters: Likely benign (4). Last evaluated 2021-07-26.

Allele frequency attached by ClinVar (database versions not stated): gnomAD 0.00003 and 0.00002; gnomAD exomes 0.00004 and 0.00008; ExAC 0.00011; TOPMed 0.00003.
gnomAD v4.1: 58 of 1,613,832 alleles (0.0036%); highest among the groups gnomAD compares: South Asian, 0.043%; 1 homozygote.

Submissions (4):

Labcorp Genetics (formerly Invitae), Labcorp
Classification: Likely benign. Last evaluated: 2021-07-26. Review status: criteria provided, single submitter. Criteria: Invitae Variant Classification Sherloc (09022015). Collection method: clinical testing. Allele origin: germline.

Genetic Services Laboratory, University of Chicago
Classification: Likely benign. Last evaluated: 2018-07-14. Review status: criteria provided, single submitter. Criteria: ACMG Guidelines, 2015. Collection method: clinical testing. Allele origin: germline. Affected: no.

GeneDx
Classification: Likely benign. Last evaluated: 2018-03-23. Review status: criteria provided, single submitter. Criteria: GeneDx Variant Classification (06012015). Collection method: clinical testing. Allele origin: germline. Affected: yes.
Comment: This variant is considered likely benign or benign based on one or more of the following criteria: it is a conservative change, it occurs at a poorly conserved position in the protein, it is predicted to be benign by multiple in silico algorithms, and/or has population frequency not consistent with disease.

Breakthrough Genomics
Classification: Likely benign. Review status: criteria provided, single submitter. Criteria: ACMG Guidelines, 2015. Collection method: not provided. Allele origin: germline. Inheritance: Autosomal recessive inheritance. Affected: yes.